The following is an entry in ClinVar:

ClinVar aggregate classification (germline): Benign (1 of 4 stars; one submission).

Submission:

Women's Health and Genetics/Laboratory Corporation of America, LabCorp
Classification: Benign. Last evaluated: 2025-12-10. Review status: criteria provided, single submitter. Criteria: LabCorp Variant Classification Summary - May 2015. Collection method: clinical testing. Allele origin: germline.
Comment: Variant summary: AIRE c.996-107delC is located at a position not widely known to affect splicing. Consensus agreement among computation tools predict no significant impact on normal splicing. However, these predictions have yet to be confirmed by functional studies. The variant allele was found at a frequency of 0.0022 in 849730 control chromosomes, predominantly at a frequency of 0.0032 within the Non-Finnish European subpopulation in the gnomAD database, including 4 homozygotes. The observed variant frequency within Non-Finnish European control individuals in the gnomAD database exceeds the estimated maximal expected allele frequency for disease-causing variants in AIRE. To our knowledge, no occurrence of c.996-107delC in individuals affected with AIRE-related conditions and no experimental evidence demonstrating its impact on protein function have been reported. No submitters have cited clinical-significance assessments for this variant to ClinVar. Based on the evidence outlined above, the variant was classified as benign.

NM_000383.4(AIRE):c.996-107del

Gene: AIRE (autoimmune regulator; plus strand). Cytogenetic location: 21q22.3.
Variant type: Deletion.
Coding change: c.996-107del on transcript NM_000383.4 (MANE Select); 107 bases into the intron before coding-DNA position 996, one base deleted (C; older notation c.996-107delC).
Molecular consequence: intron variant.
Genome position (GRCh38, 1-based): chr21:44,292,195, C deleted; the last of 5 consecutive C bases (chr21:44,292,191-44,292,195); deleting any one gives the same sequence. VCF-style (leftmost placement, unchanged base first): chr21-44292190-TC-T. GRCh37 (hg19) VCF-style: chr21-45712073-TC-T.
Other names: c.996-107delC (NM_000383.4).
Identifiers: ClinVar variation 4688408 (VCV004688408.1).